The following is an entry in ClinVar:

ClinVar aggregate classification (germline): Conflicting classifications of pathogenicity. Review status: criteria provided, conflicting classifications (1 of 4 stars). 3 submissions from 3 submitters: Uncertain significance (2); Likely benign (1). Last evaluated 2026-08-01.

Conditions:
Familial thoracic aortic aneurysm and aortic dissection (TAAD). Also called: Thoracic aortic aneurysms and dissections. Identifiers: Orphanet 91387, MedGen C4707243, MONDO:0019625.
Aortic aneurysm, familial thoracic 7 (AAT7). Also called: AORTIC DISSECTION, FAMILIAL, WITH OR WITHOUT AORTIC ANEURYSM. Identifiers: MedGen C3151077, MONDO:0013418, OMIM 613780.

Allele frequency attached by ClinVar (database versions not stated): TOPMed below 0.00001; ExAC 0.00001; gnomAD exomes 0.00002.
gnomAD v4.1: 32 of 1,614,128 alleles (0.002%); highest among the groups gnomAD compares: Non-Finnish European, 0.0023%; no homozygotes.

Submissions (3):

CeGaT Center for Human Genetics Tuebingen
Classification: Likely benign. Last evaluated: 2026-08-01. Review status: criteria provided, single submitter. Criteria: CeGaT Center For Human Genetics Tuebingen Variant Classification Criteria Version 2. Collection method: clinical testing. Allele origin: germline. Affected: yes. Observed: 1 variant allele.
Comment: MYLK: BP4

Labcorp Genetics (formerly Invitae), Labcorp
Classification: Uncertain significance for Aortic aneurysm, familial thoracic 7. Last evaluated: 2025-09-05. Review status: criteria provided, single submitter. Criteria: Invitae Variant Classification Sherloc (09022015). Collection method: clinical testing. Allele origin: germline.
Comment: This sequence change replaces alanine, which is neutral and non-polar, with valine, which is neutral and non-polar, at codon 513 of the MYLK protein (p.Ala513Val). This variant is present in population databases (rs752889116, gnomAD 0.002%). This variant has not been reported in the literature in individuals affected with MYLK-related conditions. ClinVar contains an entry for this variant (Variation ID: 1774756). Invitae Evidence Modeling of protein sequence and biophysical properties (such as structural, functional, and spatial information, amino acid conservation, physicochemical variation, residue mobility, and thermodynamic stability) indicates that this missense variant is not expected to disrupt MYLK protein function with a negative predictive value of 80%. In summary, the available evidence is currently insufficient to determine the role of this variant in disease. Therefore, it has been classified as a Variant of Uncertain Significance.

Ambry Genetics
Classification: Uncertain significance for Familial thoracic aortic aneurysm and aortic dissection. Last evaluated: 2023-11-28. Review status: criteria provided, single submitter. Criteria: Ambry Variant Classification Scheme 2023. Collection method: clinical testing. Allele origin: germline.
Comment: The p.A513V variant (also known as c.1538C>T), located in coding exon 9 of the MYLK gene, results from a C to T substitution at nucleotide position 1538. The alanine at codon 513 is replaced by valine, an amino acid with similar properties. This amino acid position is highly conserved in available vertebrate species. In addition, this alteration is predicted to be tolerated by in silico analysis. Since supporting evidence is limited at this time, the clinical significance of this alteration remains unclear.

NM_053025.4(MYLK):c.1538C>T (p.Ala513Val)

Gene: MYLK (myosin light chain kinase; minus strand). Cytogenetic location: 3q21.1.
Variant type: single nucleotide variant.
Coding change: c.1538C>T on transcript NM_053025.4 (MANE Select); coding-DNA position 1538, C replaced by T.
Protein change: p.Ala513Val; replaces alanine 513 with valine.
Molecular consequence: missense variant.
Genome position (GRCh38, 1-based): chr3:123,726,057, G>A on the plus strand (C>T on the coding strand, the complement: MYLK is on the minus strand). VCF-style: chr3-123726057-G-A. GRCh37 (hg19) VCF-style: chr3-123444904-G-A.
Other names: c.1010C>T, p.Ala337Val (NM_001321309.2); c.1331C>T, p.Ala444Val (NM_053026.4, NM_053028.4); c.1538C>T, p.Ala513Val (NM_053027.4); short protein forms A337V, A444V, A513V.
Identifiers: ClinVar variation 1774756 (VCV001774756.8), dbSNP rs752889116, ClinGen allele CA067206.